The following is an entry in ClinVar:

ClinVar aggregate classification (germline): Likely benign (1 of 4 stars; one submission).

Submission:

CeGaT Center for Human Genetics Tuebingen
Classification: Likely benign. Last evaluated: 2026-04-01. Review status: criteria provided, single submitter. Criteria: CeGaT Center For Human Genetics Tuebingen Variant Classification Criteria Version 2. Collection method: clinical testing. Allele origin: germline. Affected: yes. Observed: 1 variant allele.
Comment: ARFGEF1: PM2:Supporting, BP4, BP7

NM_006421.5(ARFGEF1):c.4797C>T (p.Val1599=)

Gene: ARFGEF1 (ARF guanine nucleotide exchange factor 1; minus strand). Cytogenetic location: 8q13.2.
Variant type: single nucleotide variant.
Coding change: c.4797C>T on transcript NM_006421.5 (MANE Select); coding-DNA position 4797, C replaced by T.
Protein change: p.Val1599=; no amino-acid change (valine 1599 retained).
Molecular consequence: synonymous variant. On other transcripts: non-coding transcript variant (1).
Genome position (GRCh38, 1-based): chr8:67,211,505, G>A on the plus strand (C>T on the coding strand, the complement: ARFGEF1 is on the minus strand). VCF-style: chr8-67211505-G-A. GRCh37 (hg19) VCF-style: chr8-68123740-G-A.
Other names: c.4797C>T, p.Val1599= (NM_001413184.1, NM_001413187.1, NM_001413191.1 and 1 more transcripts); c.4779C>T, p.Val1593= (NM_001413185.1, NM_001413186.1, NM_001413189.1 and 1 more transcripts); c.4197C>T, p.Val1399= (NM_001413188.1, NM_001413197.1); c.4791C>T, p.Val1597= (NM_001413190.1); c.4179C>T, p.Val1393= (NM_001413193.1); c.3372C>T, p.Val1124= (NM_001413196.1).
Identifiers: ClinVar variation 4874817 (VCV004874817.2).
Genomic context (GRCh38, chr8:67,211,505, plus strand): 5'-AAAACACAAATTTATTTTTATTTAGAGAAATAACTCACTTGCTGTAGATTTAATTTTGCT[G>A]ACTTCTTCATTAACAGCAGACGCAGAAACCAGTGGTGCTTGTGGTCTGTTATCCACAGAC-3'
Protein context (NP_006412.2, residues 1589-1609): LVSASAVNEE[Val1599=]SKIKSTAKFP